The following is an entry in ClinVar:

ClinVar aggregate classification (germline): Conflicting classifications of pathogenicity. Review status: criteria provided, conflicting classifications (1 of 4 stars). 8 submissions from 8 submitters: Uncertain significance (4); Likely benign (4). Last evaluated 2025-09-28.

Conditions:
Breast-ovarian cancer, familial, susceptibility to, 1 (BROVCA1). Also called: BRCA1 Hereditary Breast and Ovarian Cancer; OVARIAN CANCER, SUSCEPTIBILITY TO. Identifiers: Orphanet 145, MedGen C2676676, MONDO:0011450, OMIM 604370. Disease mechanism: loss of function.
Hereditary breast ovarian cancer syndrome. Also called: Breast and ovarian cancer; Hereditary breast and ovarian cancer; Hereditary breast and ovarian cancer syndrome; Hereditary breast and/or ovarian cancer syndrome; BRCA1- and BRCA2-Associated Hereditary Breast and Ovarian Cancer; Hereditary breast and ovarian cancer syndrome (HBOC). Identifiers: Orphanet 145, MedGen C0677776, MeSH D061325, MONDO:0003582. Disease mechanism: loss of function.
Hereditary cancer-predisposing syndrome. Also called: Tumor predisposition; Hereditary Cancer Syndrome; Neoplastic Syndromes, Hereditary; Hereditary neoplastic syndrome. Identifiers: Orphanet 140162, MedGen C0027672, MeSH D009386, MONDO:0015356.

Allele frequency attached by ClinVar (database versions not stated): gnomAD exomes below 0.00001; ExAC 0.00001; TOPMed 0.00001.
gnomAD v4.1: 1 of 1,613,474 alleles (0.000062%); highest among the groups gnomAD compares: Admixed American, 0.0017%; no homozygotes.

Submissions (9):

Labcorp Genetics (formerly Invitae), Labcorp
Classification: Likely benign for Hereditary breast ovarian cancer syndrome. Last evaluated: 2025-09-28. Review status: criteria provided, single submitter. Criteria: Invitae Variant Classification Sherloc (09022015). Collection method: clinical testing. Allele origin: germline.

Molecular Diagnostics Laboratory, Catalan Institute of Oncology
Classification: Likely benign for Hereditary cancer-predisposing syndrome. Last evaluated: 2025-02-06. Review status: criteria provided, single submitter. Criteria: ClinGen BRCA1BRCA2 ACMG Specifications BRCA1 V1.0.0. Collection method: clinical testing. Allele origin: germline.
Comment: BS3, BP4, BP5 c.5036T>C located in exon 16 (17 according to BIC nomenclature) of the BRCA1 gene, is predicted to result in the substitution of leucine by proline at codon 170, p.(Leu1679Pro).This variant is found in 1/236876 in the gnomAD v2.1.1 database, exome non-cancer data set. This position is inside a (potentially) clinically important functional domain. The SpliceAI algorithm predicts no significant impact on splicing and the Bayesdel no-AF meta-predictor score for this variant (-0.125) suggests that it does not affect the protein function (BP4). Reported by one calibrated study to affect protein function similar to benign control variants (PMID:30209399) (BS3). Published clinical data for a multifactorial likelihood analysis (PMID: 31131967) showed a combined LR=0.4 (BP5). This variant has been reported in the ClinVar database (3x uncertain significance, 3x likely benign) and in BRCA Exchange database as not yet reviewed but has not been identified in the LOVD database. Based on currently available information, the variant c.5036T>C is classified as a likely benign variant according to ClinGen-BRCA1 and BRCA2 Guidelines version 1.0.0.

Hereditary Cancer Laboratory, Hospital Universitario 12 de Octubre
Classification: Uncertain significance for Hereditary cancer-predisposing syndrome. Last evaluated: 2024-09-11. Review status: criteria provided, single submitter. Criteria: ACMG Guidelines, 2015. Collection method: clinical testing. Allele origin: germline.
Comment: PM2 + BP4

Lupski Lab, Baylor-Hopkins CMG, Baylor College of Medicine
Classification: Likely benign for Breast-ovarian cancer, familial, susceptibility to, 1. Last evaluated: 2024-04-12. Review status: criteria provided, single submitter. Criteria: Dawood et al. (medRxiv. 2024). Collection method: curation. Allele origin: germline.
Comment: Each variant was annotated with functional scores from MAVE data which was translated into functional evidence codes. All other evidence codes and combining criteria were adhered to as closely as possible based on the ClinGen VCEP (Variant Curation Expert Panel) gene-specific recommendations. See Supplemental Figure 34 of final paper (Supp Fig. 28 in preprint: doi:10.1101/2024.04.11.24305690) for a table to see which lines of evidence we did not have data for. The ClinGen VCEPs are highly regarded as the gold-standard for gene-specific variant curation and are developed after extensive evaluation of the evidence by clinical and scientific experts for the particular gene to classify genomic variants on a spectrum from pathogenic to benign using the 2015 ACMG/AMP Variant Interpretation Guidelines as a backbone (PMID: 25741868). Reclassification of these VUS variants from gnomAD or All of Us focused only on variants originally prescribed as VUS in ClinVar. To ensure reproducibility, transparency, and increased throughput, all the procedures for annotating variants and assigning evidence codes were codified using Python. All code has been made freely available and is linked in the Code Availability section and all reclassified variants with evidence codes used can be found in Tables S18-19 (preprint: doi:10.1101/2024.04.11.24305690). For the MAVE data, the clinical curation and clinical strength assignment as per the ClinGen recommendations in Brnich et al. (2020) (PMID: 31892348) for or against pathogenicity or benignity of each of these MAVE datasets utilized in this study were previously published in Fayer et al. (2021) (PMID: 34793697).In brief, for BRCA1 variants, if a variant was categorized as FUNC (functional), it was assigned BS3 evidence and no PS3 evidence, whereas if it was categorized as LOF (loss of function), the variant was assigned PS3 evidence and no BS3 evidence. Variants categorized as INT (intermediate) were left unannotated. For the BRCA1 combining criteria, greater than or equal to 1 criteria of strong benign evidence was enough to reclassify the VUS as Likely Benign. This variant GRCh38:17:43067646:A>G was assigned evidence codes ['BS3', 'BP4'] and an overall classification of Likely benign

Ambry Genetics
Classification: Likely benign for Hereditary cancer-predisposing syndrome. Last evaluated: 2023-11-28. Review status: criteria provided, single submitter. Criteria: Ambry Variant Classification Scheme 2023. Collection method: clinical testing. Allele origin: germline.

Quest Diagnostics Nichols Institute San Juan Capistrano
Classification: Uncertain significance. Last evaluated: 2023-05-23. Review status: criteria provided, single submitter. Criteria: Quest Diagnostics criteria. Collection method: clinical testing. Allele origin: unknown.
Comment: In the published literature, this variant has been reported in an individual with breast cancer (PMID: 34196900 (2021)) and characterized as likely benign in a multifactorial likelihood study (PMID: 31131967 (2019)). Additionally, a functional assay showed that this variant does not impact protein function (PMID: 30209399 (2018)). The frequency of this variant in the general population, 0.000004 (1/251382 chromosomes (Genome Aggregation Database)), is uninformative in the assessment of its pathogenicity. Analysis of this variant using bioinformatics tools for the prediction of the effect of amino acid changes on protein structure and function yielded conflicting predictions that this variant is benign or damaging. Based on the available information, we are unable to determine the clinical significance of this variant.

Baylor Genetics
Classification: Uncertain significance for Breast-ovarian cancer, familial, susceptibility to, 1. Last evaluated: 2023-05-14. Review status: criteria provided, single submitter. Criteria: ACMG Guidelines, 2015. Collection method: clinical testing. Allele origin: unknown.

Color Diagnostics, LLC DBA Color Health
Classification: Uncertain significance for Hereditary cancer-predisposing syndrome. Last evaluated: 2019-12-05. Review status: criteria provided, single submitter. Criteria: ACMG Guidelines, 2015. Collection method: clinical testing. Allele origin: germline.
Comment: This missense variant replaces leucine with proline at codon 1679 of the BRCA1 protein. Computational prediction is inconclusive regarding the impact of this variant on protein structure and function (internally defined REVEL score threshold 0.5 < inconclusive < 0.7, PMID: 27666373). Splice site prediction tools suggest that this variant may not impact RNA splicing. To our knowledge, functional studies have not been performed for this variant. This variant has not been reported in individuals affected with hereditary cancer in the literature. This variant has been identified in 1/251382 chromosomes in the general population by the Genome Aggregation Database (gnomAD). The available evidence is insufficient to determine the role of this variant in disease conclusively. Therefore, this variant is classified as a Variant of Uncertain Significance.

Brotman Baty Institute, University of Washington
No classification provided (evidence only). Condition: Breast-ovarian cancer, familial 1. Review status: no classification provided. Collection method: in vitro. Allele origin: not applicable. Functional consequence: functionally_normal. Not counted in ClinVar's aggregate classification.
ClinVar note: "not provided" was previously submitted as the classification for the variant. However, the classification appeared to be based only on an observation of functional data so it was converted to no classification on 2025-07-30.

Literature cited by the submitters: PubMed 39142283 (cited by Lupski Lab, Baylor-Hopkins CMG, Baylor College of Medicine); PubMed 34793697 (cited by Lupski Lab, Baylor-Hopkins CMG, Baylor College of Medicine); DOI 10.1101/2024.04.11.24305690 (cited by Lupski Lab, Baylor-Hopkins CMG, Baylor College of Medicine); PubMed 30209399 (cited by Ambry Genetics and Quest Diagnostics Nichols Institute San Juan Capistrano); PubMed 34196900 (cited by Ambry Genetics and Quest Diagnostics Nichols Institute San Juan Capistrano); PubMed 31131967 (cited by Quest Diagnostics Nichols Institute San Juan Capistrano).

NM_007294.4(BRCA1):c.5036T>C (p.Leu1679Pro)

Gene: BRCA1 (BRCA1 DNA repair associated; minus strand). Cytogenetic location: 17q21.31.
Variant type: single nucleotide variant.
Coding change: c.5036T>C on transcript NM_007294.4 (MANE Select); coding-DNA position 5036, T replaced by C.
Protein change: p.Leu1679Pro; replaces leucine 1679 with proline.
Molecular consequence: missense variant. On other transcripts: non-coding transcript variant (1).
Genome position (GRCh38, 1-based): chr17:43,067,646, A>G on the plus strand (T>C on the coding strand, the complement: BRCA1 is on the minus strand). VCF-style: chr17-43067646-A-G. GRCh37 (hg19) VCF-style: chr17-41219663-A-G.
Other names: c.4823T>C, p.Leu1608Pro (NM_001407571.1, NM_001407896.1, NM_001407897.1 and 12 more transcripts); c.5102T>C, p.Leu1701Pro (NM_001407581.1, NM_001407582.1); c.5099T>C, p.Leu1700Pro (NM_001407583.1, NM_001407585.1, NM_001407587.1 and 1 more transcripts); c.5096T>C, p.Leu1699Pro (NM_001407590.1, NM_001407591.1); c.5036T>C, p.Leu1679Pro (NM_001407593.1, NM_001407594.1, NM_001407596.1 and 8 more transcripts); c.5033T>C, p.Leu1678Pro (NM_001407610.1, NM_001407611.1, NM_001407612.1 and 17 more transcripts); c.5030T>C, p.Leu1677Pro (NM_001407627.1, NM_001407628.1, NM_001407629.1 and 14 more transcripts); c.5027T>C, p.Leu1676Pro (NM_001407645.1, NM_001407644.1); and 70 more; short protein forms L1679P, L575P, L1700P, L1632P, L1552P, L1589P, L1590P, L1612P.
Identifiers: ClinVar variation 216672 (VCV000216672.28), dbSNP rs760038328, ClinGen allele CA053724.
Genomic context (GRCh38, chr17:43,067,646, plus strand): 5'-TCTGTAAAGGTTCTTGGTATACCTGTTTTCATAACAACATGAGTAGTCTCTTCAGTAATT[A>G]GATTAGTTAAAGTGATGTGGTGTTTTCTGGCAAACTTGTACACGAGCATCTGAAATTAAA-3'
Protein context (NP_009225.1, residues 1669-1689): ARKHHITLTN[Leu1679Pro]ITEETTHVVM